The following is an entry in ClinVar:

ClinVar aggregate classification (germline): Uncertain significance (1 of 4 stars; one submission).

Submission:

CeGaT Center for Human Genetics Tuebingen
Classification: Uncertain significance. Last evaluated: 2024-02-01. Review status: criteria provided, single submitter. Criteria: CeGaT Center For Human Genetics Tuebingen Variant Classification Criteria Version 2. Collection method: clinical testing. Allele origin: germline. Affected: yes. Observed: 1 variant allele.
Comment: FLNC: PM2, PP3

NM_001458.5(FLNC):c.7187C>T (p.Pro2396Leu)

Genes: FLNC (filamin C; plus strand), FLNC-AS1 (FLNC antisense RNA 1; minus strand). Cytogenetic location: 7q32.1.
Variant type: single nucleotide variant.
Coding change: c.7187C>T on transcript NM_001458.5 (MANE Select); coding-DNA position 7187, C replaced by T.
Protein change: p.Pro2396Leu; replaces proline 2396 with leucine.
Molecular consequence: missense variant.
Genome position (GRCh38, 1-based): chr7:128,855,250, C>T. VCF-style: chr7-128855250-C-T. GRCh37 (hg19) VCF-style: chr7-128495304-C-T.
Other names: c.7088C>T, p.Pro2363Leu (NM_001127487.2); short protein forms P2363L, P2396L.
Identifiers: ClinVar variation 3027264 (VCV003027264.22), dbSNP rs2536667305, ClinGen allele CA369215759.